The following is an entry in ClinVar:

NM_000263.4(NAGLU):c.2116C>T (p.Gln706Ter)

Gene: NAGLU (N-acetyl-alpha-glucosaminidase; plus strand). Cytogenetic location: 17q21.2.
Variant type: single nucleotide variant.
Coding change: c.2116C>T on transcript NM_000263.4 (MANE Select); coding-DNA position 2116, C replaced by T.
Protein change: p.Gln706Ter; replaces glutamine 706 with a stop codon.
Molecular consequence: nonsense.
Genome position (GRCh38, 1-based): chr17:42,544,122, C>T. VCF-style: chr17-42544122-C-T. GRCh37 (hg19) VCF-style: chr17-40696140-C-T.
Other names: short protein forms Q706*.
Identifiers: ClinVar variation 553260 (VCV000553260.17), dbSNP rs752527478, ClinGen allele CA399606195.

ClinVar aggregate classification (germline): Pathogenic/Likely pathogenic. Review status: criteria provided, multiple submitters, no conflicts (2 of 4 stars). 6 submissions from 6 submitters: Pathogenic (1); Likely pathogenic (5). Last evaluated 2025-11-18.

Conditions:
Mucopolysaccharidosis, MPS-III-B (MPS3B). Also called: SANFILIPPO SYNDROME B; MPS III B; MUCOPOLYSACCHARIDOSIS, TYPE IIIB; Mucopolysaccharidosis type IIIB (Sanfilippo B); MPS IIIB (Sanfilippo Syndrome Type B); N-ACETYL-ALPHA-D-GLUCOSAMINIDASE DEFICIENCY. Identifiers: Orphanet 79270, MedGen C0086648, MONDO:0009656, OMIM 252920.
Charcot-Marie-Tooth disease axonal type 2V. Also called: CHARCOT-MARIE-TOOTH NEUROPATHY, TYPE 2V; CHARCOT-MARIE-TOOTH DISEASE, AXONAL, AUTOSOMAL DOMINANT, TYPE 2V. Identifiers: Orphanet 447964, MedGen C5569050, MONDO:0014665, OMIM 616491.
NAGLU-related disorder. Also called: NAGLU-related condition.

Allele frequency attached by ClinVar (database versions not stated): TOPMed below 0.00001; gnomAD 0.00001.

Submissions (6):

Labcorp Genetics (formerly Invitae), Labcorp
Classification: Likely pathogenic for Charcot-Marie-Tooth disease axonal type 2V; Mucopolysaccharidosis, MPS-III-B. Last evaluated: 2025-11-18. Review status: criteria provided, single submitter. Criteria: Invitae Variant Classification Sherloc (09022015). Collection method: clinical testing. Allele origin: germline.
Comment: This sequence change creates a premature translational stop signal (p.Gln706*) in the NAGLU gene. While this is not anticipated to result in nonsense mediated decay, it is expected to disrupt the last 38 amino acid(s) of the NAGLU protein. This variant is present in population databases (no rsID available, gnomAD 0.002%). This premature translational stop signal has been observed in individual(s) with Sanfilippo syndrome B (PMID: 9443875, 29661560). ClinVar contains an entry for this variant (Variation ID: 553260). This variant disrupts a region of the NAGLU protein in which other variant(s) (p.Lys729del) have been observed in individuals with NAGLU-related conditions (PMID: 22976768). This suggests that this is a clinically significant region of the protein, and that variants that disrupt it are likely to be disease-causing. In summary, the currently available evidence indicates that the variant is pathogenic, but additional data are needed to prove that conclusively. Therefore, this variant has been classified as Likely Pathogenic.

Natera, Inc.
Classification: Likely pathogenic for Mucopolysaccharidosis type IIIB. Last evaluated: 2025-08-06. Review status: criteria provided, single submitter. Criteria: Natera Variant Classification Schema (03/2026). Collection method: clinical testing. Allele origin: germline.
Comment: The c.2116C>T variant in NAGLU is a nonsense variant predicted to introduce a stop codon at amino acid 706. This variant is expected to result in nonsense mediated decay, truncation, or a dysfunctional protein product. This variant is rare in the general population with a frequency below the threshold expected for the associated phenotype(s). This variant has been observed in one or more individuals affected with the associated recessive disease, as either homozygous or compound heterozygous with a second variant (PMID: 9443875, 29661560). Given the available evidence, this variant is classified as Likely Pathogenic.

PreventionGenetics, part of Exact Sciences
Classification: Likely pathogenic for NAGLU-related condition. Last evaluated: 2025-06-20. Review status: criteria provided, single submitter. Criteria: ACMG Guidelines, 2015. Collection method: clinical testing. Allele origin: germline.
Comment: The NAGLU c.2116C>T variant is predicted to result in premature protein termination (p.Gln706*). This variant was reported in homozygous and compound heterozygous state in individuals with Sanfilippo syndrome B, also known as Mucopolysaccharidosis IIIB (Zhao et al. 1998. PubMed ID: 9443875; Whitley et al. 2018. PubMed ID: 29661560). This variant occurs within the last exon and is not predicted to result in nonsense mediated decay, however pathogenic variants upstream and downstream have been reported. This variant is reported in 0.0015% of alleles in individuals of European (Non-Finnish) descent in gnomAD. Nonsense variants in NAGLU are expected to be pathogenic. This variant is interpreted as likely pathogenic.

Fulgent Genetics
Classification: Likely pathogenic for Mucopolysaccharidosis, MPS-III-B; Charcot-Marie-Tooth disease axonal type 2V. Last evaluated: 2024-04-09. Review status: criteria provided, single submitter. Criteria: ACMG Guidelines, 2015. Collection method: clinical testing. Allele origin: germline.

Myriad Genetics, Inc.
Classification: Likely pathogenic for Mucopolysaccharidosis, MPS-III-B. Last evaluated: 2023-10-19. Review status: criteria provided, single submitter. Criteria: Myriad Autosomal Dominant, Autosomal Recessive and X-Linked Classification Criteria (2023). Collection method: clinical testing. Allele origin: unknown.
Comment: NM_000263.3(NAGLU):c.2116C>T(Q706*) is a nonsense variant classified as likely pathogenic in the context of mucopolysaccharidosis type IIIB. Q706* has been observed in cases with relevant disease (PMID:9443875, 29661560, 34047372). Relevant functional assessments of this variant are not available in the literature. Q706* has been observed in referenced population frequency databases. In summary, NM_000263.3(NAGLU):c.2116C>T(Q706*) is a nonsense variant that has been observed more frequently in cases with the relevant disease than in healthy populations. Please note: this variant was assessed in the context of healthy population screening.

Women's Health and Genetics/Laboratory Corporation of America, LabCorp
Classification: Pathogenic for Mucopolysaccharidosis, MPS-III-B. Last evaluated: 2020-11-02. Review status: criteria provided, single submitter. Criteria: LabCorp Variant Classification Summary - May 2015. Collection method: clinical testing. Allele origin: germline.
Comment: Variant summary: NAGLU c.2116C>T (p.Gln706X) results in a premature termination codon in the last exon (exon 6) of the NAGLU gene and predicted to cause a truncation of the encoded protein. The variant allele was found at a frequency of 8e-06 in 251326 control chromosomes. c.2116C>T has been reported in the literature in individuals affected with Mucopolysaccharidosis Type IIIB (Sanfilippo Syndrome B) and subsequently cited by others (example, Zhao_1998, Whitley_2018, Schmidtchen_1998, Yogalingam_2001, Jain_2018). These data indicate that the variant may be associated with disease. At least one publication reports experimental evidence evaluating an impact on protein function. The most pronounced variant effect results in <10% of normal NAGLU enzyme activity and elevated urine glycosaminoglycan (GAG) and cerebrospinal fluid heparan sulfate levels (example, Whitley_2018). Two clinical diagnostic laboratories have submitted clinical-significance assessments for this variant to ClinVar after 2014 without evidence for independent evaluation. All laboratories classified the variant as likely pathogenic citing at-least one overlapping publication utilized in the context of this evaluation. Based on the evidence outlined above, the variant was classified as pathogenic.

Literature cited by the submitters: PubMed 9443875 (cited by 4 submitters); PubMed 29661560 (cited by 4 submitters); PubMed 22976768 (cited by Labcorp Genetics (formerly Invitae), Labcorp); PubMed 34047372 (cited by Myriad Genetics, Inc.); PubMed 11668611 (cited by Women's Health and Genetics/Laboratory Corporation of America, LabCorp); PubMed 9443878 (cited by Women's Health and Genetics/Laboratory Corporation of America, LabCorp).